The following is an entry in ClinVar:

NM_002875.5(RAD51):c.408C>G (p.Ile136Met)

Gene: RAD51 (RAD51 recombinase; plus strand). Cytogenetic location: 15q15.1.
Variant type: single nucleotide variant.
Coding change: c.408C>G on transcript NM_002875.5 (MANE Select); coding-DNA position 408, C replaced by G.
Protein change: p.Ile136Met; replaces isoleucine 136 with methionine.
Molecular consequence: missense variant.
Genome position (GRCh38, 1-based): chr15:40,709,089, C>G. VCF-style: chr15-40709089-C-G. GRCh37 (hg19) VCF-style: chr15-41001287-C-G.
Other names: c.411C>G, p.Ile137Met (NM_001164269.2, NM_133487.4); c.408C>G, p.Ile136Met (NM_001164270.2); short protein forms I137M, I136M.
Identifiers: ClinVar variation 3429539 (VCV003429539.1).

ClinVar aggregate classification (germline): Uncertain significance (1 of 4 stars; one submission).

Conditions:
Inborn genetic diseases. Identifiers: MedGen C0950123, MeSH D030342.

Submission:

Ambry Genetics
Classification: Uncertain significance for Inborn genetic diseases. Last evaluated: 2024-07-05. Review status: criteria provided, single submitter. Criteria: Ambry Variant Classification Scheme 2023. Collection method: clinical testing. Allele origin: germline.
Comment: The p.I136M variant (also known as c.408C>G), located in coding exon 4 of the RAD51 gene, results from a C to G substitution at nucleotide position 408. The isoleucine at codon 136 is replaced by methionine, an amino acid with highly similar properties. This amino acid position is conserved. In addition, this alteration is predicted to be tolerated by in silico analysis. Based on the available evidence, the clinical significance of this variant remains unclear.